The following is an entry in ClinVar:

ClinVar aggregate classification (germline): Uncertain significance (1 of 4 stars; one submission).

Conditions:
ZFPM2-related disorder. Also called: ZFPM2-related condition.

Allele frequency attached by ClinVar (database versions not stated): gnomAD exomes below 0.00001; TOPMed 0.00001.
gnomAD v4.1: 1 of 1,613,966 alleles (0.000062%); highest among the groups gnomAD compares: Admixed American, 0.0017%; no homozygotes.

Submission:

PreventionGenetics, part of Exact Sciences
Classification: Uncertain significance for ZFPM2-related condition. Last evaluated: 2022-09-06. Review status: criteria provided, single submitter. Criteria: ACMG Guidelines, 2015. Collection method: clinical testing. Allele origin: germline.
Comment: The ZFPM2 c.1226A>G variant is predicted to result in the amino acid substitution p.Gln409Arg. To our knowledge, this variant has not been reported in the literature or in a large population database, indicating this variant is rare. At this time, the clinical significance of this variant is uncertain due to the absence of conclusive functional and genetic evidence.

NM_012082.4(ZFPM2):c.1226A>G (p.Gln409Arg)

Genes: ZFPM2 (zinc finger protein, FOG family member 2; plus strand), ZFPM2-AS1 (ZFPM2 antisense RNA 1; minus strand). Cytogenetic location: 8q23.1.
Variant type: single nucleotide variant.
Coding change: c.1226A>G on transcript NM_012082.4 (MANE Select); coding-DNA position 1226, A replaced by G.
Protein change: p.Gln409Arg; replaces glutamine 409 with arginine.
Molecular consequence: missense variant.
Genome position (GRCh38, 1-based): chr8:105,801,308, A>G. VCF-style: chr8-105801308-A-G. GRCh37 (hg19) VCF-style: chr8-106813536-A-G.
Other names: c.1067A>G, p.Gln356Arg (NM_001362836.2); c.830A>G, p.Gln277Arg (NM_001362837.2); short protein forms Q277R, Q356R, Q409R.
Identifiers: ClinVar variation 2629332 (VCV002629332.1), dbSNP rs1814001008, ClinGen allele CA371949073.